The following is an entry in ClinVar:

NM_005220.3(DLX3):c.-189G>T

Gene: DLX3 (distal-less homeobox 3; minus strand). Cytogenetic location: 17q21.33.
Variant type: single nucleotide variant.
Coding change: c.-189G>T on transcript NM_005220.3 (MANE Select); 189 bases upstream of the start codon, G replaced by T.
Molecular consequence: 5 prime UTR variant.
Genome position (GRCh38, 1-based): chr17:49,995,187, C>A on the plus strand (G>T on the coding strand, the complement: DLX3 is on the minus strand). VCF-style: chr17-49995187-C-A. GRCh37 (hg19) VCF-style: chr17-48072551-C-A.
Identifiers: ClinVar variation 324034 (VCV000324034.7), dbSNP rs34783534, ClinGen allele CA10650499.

ClinVar aggregate classification (germline): Benign. Review status: criteria provided, multiple submitters, no conflicts (2 of 4 stars). 3 submissions from 3 submitters: Benign (3). Last evaluated 2021-06-19.

Conditions:
Hypomaturation-hypoplastic amelogenesis imperfecta with taurodontism. Also called: Amelogenesis imperfecta, type IV. Identifiers: Orphanet 100034, Orphanet 88661, MedGen C1863012, MONDO:0007093, OMIM 104510. Disease mechanism: loss of function.

Allele frequency attached by ClinVar (database versions not stated): gnomAD exomes 0.06678; gnomAD 0.06775 and 0.07367; TOPMed 0.08017; 1000 Genomes Project 30x 0.13585; 1000 Genomes Project 0.13938.
gnomAD v4.1: 48,136 of 709,092 alleles (6.8%); highest among the groups gnomAD compares: East Asian, 20%; 3,000 homozygotes.

Submissions (3):

GeneDx
Classification: Benign. Last evaluated: 2021-06-19. Review status: criteria provided, single submitter. Criteria: GeneDx Variant Classification Process June 2021. Collection method: clinical testing. Allele origin: germline. Affected: yes.

Illumina Laboratory Services, Illumina
Classification: Benign for Hypomaturation-hypoplastic amelogenesis imperfecta with taurodontism. Last evaluated: 2018-01-12. Review status: criteria provided, single submitter. Criteria: ICSL Variant Classification Criteria 13 December 2019. Collection method: clinical testing. Allele origin: germline.
Comment: This variant was observed in the ICSL laboratory as part of a predisposition screen in an ostensibly healthy population. It had not been previously curated by ICSL or reported in the Human Gene Mutation Database (HGMD: prior to June 1st, 2018), and was therefore a candidate for classification through an automated scoring system. Utilizing variant allele frequency, disease prevalence and penetrance estimates, and inheritance mode, an automated score was calculated to assess if this variant is too frequent to cause the disease. Based on the score and internal cut-off values, a variant classified as benign is not then subjected to further curation. The score for this variant resulted in a classification of benign for this disease.

Breakthrough Genomics
Classification: Benign. Review status: criteria provided, single submitter. Criteria: ACMG Guidelines, 2015. Collection method: not provided. Allele origin: germline. Inheritance: Autosomal dominant inheritance. Affected: yes.